The following is an entry in ClinVar:

ClinVar aggregate classification (germline): Uncertain significance (1 of 4 stars; one submission).

Submission:

Ambry Genetics
Classification: Uncertain significance. Last evaluated: 2025-06-22. Review status: criteria provided, single submitter. Criteria: Ambry Variant Classification Scheme 2023. Collection method: clinical testing. Allele origin: germline.
Comment: The p.A362G variant (also known as c.1085C>G), located in coding exon 10 of the SLMAP gene, results from a C to G substitution at nucleotide position 1085. The alanine at codon 362 is replaced by glycine, an amino acid with similar properties. This amino acid position is conserved. In addition, the in silico prediction for this alteration is inconclusive. Based on the available evidence, the clinical significance of this variant remains unclear.

NM_001377540.1(SLMAP):c.1085C>G (p.Ala362Gly)

Gene: SLMAP (sarcolemma associated protein; plus strand). Cytogenetic location: 3p14.3.
Variant type: single nucleotide variant.
Coding change: c.1085C>G on transcript NM_001377540.1 (MANE Select); coding-DNA position 1085, C replaced by G.
Protein change: p.Ala362Gly; replaces alanine 362 with glycine.
Molecular consequence: missense variant. On other transcripts: non-coding transcript variant (1).
Genome position (GRCh38, 1-based): chr3:57,864,666, C>G. VCF-style: chr3-57864666-C-G. GRCh37 (hg19) VCF-style: chr3-57850393-C-G.
Other names: c.1085C>G, p.Ala362Gly (NM_001304421.2, NM_001377538.1, NM_001377539.1 and 17 more transcripts); short protein forms A362G.
Identifiers: ClinVar variation 4169925 (VCV004169925.1).
Genomic context (GRCh38, chr3:57,864,666, plus strand): 5'-TACAACATAAAATAGATGAAATGGAAGAAAAAGAACAGGAGCTCCAGGCAAAAATAGAAG[C>G]TTTGCAAGCTGATAATGATTTCACCAATGAAAGGCTAACAGCTTTACAAGGTAAGTAGCT-3'
Protein context (NP_001364469.1, residues 352-372): KEQELQAKIE[Ala362Gly]LQADNDFTNE